The following is an entry in ClinVar:

NM_003470.3(USP7):c.7C>T (p.His3Tyr)

Genes: USP7 (ubiquitin specific peptidase 7; minus strand), USP7-AS1 (USP7 antisense RNA 1; plus strand). Cytogenetic location: 16p13.2.
Variant type: single nucleotide variant.
Coding change: c.7C>T on transcript NM_003470.3 (MANE Select); coding-DNA position 7, C replaced by T.
Protein change: p.His3Tyr; replaces histidine 3 with tyrosine.
Molecular consequence: missense variant.
Genome position (GRCh38, 1-based): chr16:8,963,279, G>A on the plus strand (C>T on the coding strand, the complement: USP7 is on the minus strand). VCF-style: chr16-8963279-G-A. GRCh37 (hg19) VCF-style: chr16-9057136-G-A.
Other names: short protein forms H3Y.
Identifiers: ClinVar variation 2522203 (VCV002522203.6), dbSNP rs901790687, ClinGen allele CA277506301.

ClinVar aggregate classification (germline): Uncertain significance. Review status: criteria provided, multiple submitters, no conflicts (2 of 4 stars). 3 submissions from 3 submitters: Uncertain significance (3). Last evaluated 2025-05-21.

Conditions:
Inborn genetic diseases. Identifiers: MedGen C0950123, MeSH D030342.

Allele frequency attached by ClinVar (database versions not stated): gnomAD exomes below 0.00001; gnomAD 0.00005; TOPMed 0.00006.
gnomAD v4.1: 10 of 1,324,036 alleles (0.00076%); highest among the groups gnomAD compares: African/African-American, 0.012%; no homozygotes.

Submissions (3):

Women's Health and Genetics/Laboratory Corporation of America, LabCorp
Classification: Uncertain significance. Last evaluated: 2025-05-21. Review status: criteria provided, single submitter. Criteria: LabCorp Variant Classification Summary - May 2015. Collection method: clinical testing. Allele origin: germline.
Comment: Variant summary: USP7 c.7C>T (p.His3Tyr) results in a conservative amino acid change in the encoded protein sequence. Algorithms developed to predict the effect of missense changes on protein structure and function are either unavailable or do not agree on the potential impact of this missense change. The variant was absent in 76914 control chromosomes. The available data on variant occurrences in the general population are insufficient to allow any conclusion about variant significance. To our knowledge, no occurrence of c.7C>T in individuals affected with Hao-Fountain Syndrome and no experimental evidence demonstrating its impact on protein function have been reported. ClinVar contains an entry for this variant (Variation ID: 2522203). Based on the evidence outlined above, the variant was classified as uncertain significance.

Labcorp Genetics (formerly Invitae), Labcorp
Classification: Uncertain significance. Last evaluated: 2024-08-27. Review status: criteria provided, single submitter. Criteria: Invitae Variant Classification Sherloc (09022015). Collection method: clinical testing. Allele origin: germline.
Comment: This sequence change replaces histidine, which is basic and polar, with tyrosine, which is neutral and polar, at codon 3 of the USP7 protein (p.His3Tyr). This variant is present in population databases (no rsID available, gnomAD 0.02%). This variant has not been reported in the literature in individuals affected with USP7-related conditions. ClinVar contains an entry for this variant (Variation ID: 2522203). An algorithm developed to predict the effect of missense changes on protein structure and function (PolyPhen-2) suggests that this variant is likely to be tolerated. In summary, the available evidence is currently insufficient to determine the role of this variant in disease. Therefore, it has been classified as a Variant of Uncertain Significance.

Ambry Genetics
Classification: Uncertain significance for Inborn genetic diseases. Last evaluated: 2023-03-24. Review status: criteria provided, single submitter. Criteria: Ambry Variant Classification Scheme 2023. Collection method: clinical testing. Allele origin: germline.